The following is an entry in ClinVar:

NM_174936.4(PCSK9):c.1629G>T (p.Glu543Asp)

Gene: PCSK9 (proprotein convertase subtilisin/kexin type 9; plus strand). Cytogenetic location: 1p32.3.
Variant type: single nucleotide variant.
Coding change: c.1629G>T on transcript NM_174936.4 (MANE Select); coding-DNA position 1629, G replaced by T.
Protein change: p.Glu543Asp; replaces glutamic acid 543 with aspartic acid.
Molecular consequence: missense variant.
Genome position (GRCh38, 1-based): chr1:55,059,611, G>T. VCF-style: chr1-55059611-G-T. GRCh37 (hg19) VCF-style: chr1-55525284-G-T.
Other names: c.1752G>T, p.Glu584Asp (NM_001407240.1); c.1671G>T, p.Glu557Asp (NM_001407241.1); c.1632G>T, p.Glu544Asp (NM_001407242.1); c.1572G>T, p.Glu524Asp (NM_001407243.1); c.1455G>T, p.Glu485Asp (NM_001407244.1); c.1437G>T, p.Glu479Asp (NM_001407245.1); c.1254G>T, p.Glu418Asp (NM_001407246.1); short protein forms E543D, E544D, E418D, E479D, E557D, E584D, E485D, E524D.
Identifiers: ClinVar variation 1171542 (VCV001171542.5), dbSNP rs2100330877, ClinGen allele CA340480015.

ClinVar aggregate classification (germline): Uncertain significance. Review status: criteria provided, multiple submitters, no conflicts (2 of 4 stars). 2 submissions from 2 submitters: Uncertain significance (2). Last evaluated 2025-12-10.

Conditions:
Familial hypercholesterolemia. Also called: Familial hypercholesterolemias; Familial hypercholesterolaemia. Identifiers: MedGen C0020445, MONDO:0005439.
Hypercholesterolemia, autosomal dominant, 3 (FHCL3). Also called: Familial Hypercholesterolemia, Autosomal Dominant, 3; Familial hypercholesterolemia 3; PCSK9-Related Familial Hypercholesterolemia, Autosomal Dominant. Identifiers: MedGen C1863551, MONDO:0011369, OMIM 603776.

Submissions (2):

3billion
Classification: Uncertain significance for Hypercholesterolemia, autosomal dominant, 3. Last evaluated: 2025-12-10. Review status: criteria provided, single submitter. Criteria: ACMG Guidelines, 2015. Collection method: clinical testing. Allele origin: germline. Affected: yes.
Comment: The variant is not observed in the gnomAD v4.1.0 dataset. Predicted Consequence/Location: Missense variant. Missense changes are a common disease-causing mechanism. The variant has been reported as of uncertain significance (ClinVar ID: VCV001171542). Therefore, this variant is classified as VUS according to the recommendation of ACMG/AMP guideline.

Color Diagnostics, LLC DBA Color Health
Classification: Uncertain significance for Familial hypercholesterolemia. Last evaluated: 2024-03-06. Review status: criteria provided, single submitter. Criteria: ACMG Guidelines, 2015. Collection method: clinical testing. Allele origin: germline.
Comment: This missense variant replaces glutamic acid with aspartic acid at codon 543 of the PCSK9 protein. Computational prediction suggests that this variant may not impact protein structure and function (internally defined REVEL score threshold <= 0.5, PMID: 27666373). To our knowledge, functional studies have not been reported for this variant. This variant has not been reported in individuals affected with familial hypercholesterolemia in the literature. This variant has not been identified in the general population by the Genome Aggregation Database (gnomAD). The available evidence is insufficient to determine the role of this variant in disease conclusively. Therefore, this variant is classified as a Variant of Uncertain Significance.